The following is an entry in ClinVar:

ClinVar aggregate classification (germline): Benign. Review status: criteria provided, multiple submitters, no conflicts (2 of 4 stars). 4 submissions from 4 submitters: Benign (3). 1 of the submissions does not count toward it. Last evaluated 2026-07-01.

Conditions:
COL25A1-related disorder. Also called: COL25A1-related condition.

Allele frequency attached by ClinVar (database versions not stated): 1000 Genomes Project 0.00300; 1000 Genomes Project 30x 0.00344; gnomAD 0.00559 and 0.00594; TOPMed 0.00590; ExAC 0.00604; gnomAD exomes 0.00608 and 0.00903; ESP Exome Variant Server 0.00763.
gnomAD v4.1: 13,989 of 1,610,160 alleles (0.87%); highest among the groups gnomAD compares: Non-Finnish European, 1.1%; 77 homozygotes.

Submissions (4):

CeGaT Center for Human Genetics Tuebingen
Classification: Benign. Last evaluated: 2026-07-01. Review status: criteria provided, single submitter. Criteria: CeGaT Center For Human Genetics Tuebingen Variant Classification Criteria Version 2. Collection method: clinical testing. Allele origin: germline. Affected: yes. Observed: 3 variant alleles.
Comment: COL25A1: BP4, BP7, BS1, BS2

Labcorp Genetics (formerly Invitae), Labcorp
Classification: Benign. Last evaluated: 2019-12-31. Review status: criteria provided, single submitter. Criteria: Invitae Variant Classification Sherloc (09022015). Collection method: clinical testing. Allele origin: germline.

Breakthrough Genomics
Classification: Benign. Review status: criteria provided, single submitter. Criteria: ACMG Guidelines, 2015. Collection method: not provided. Allele origin: germline. Inheritance: Autosomal recessive inheritance. Affected: yes.

PreventionGenetics, part of Exact Sciences
Classification: Benign for COL25A1-related condition. Last evaluated: 2022-02-18. Review status: no assertion criteria provided. Collection method: clinical testing. Allele origin: germline. Not counted in ClinVar's aggregate classification.
Comment: This variant is classified as benign based on ACMG/AMP sequence variant interpretation guidelines (Richards et al. 2015 PMID: 25741868, with internal and published modifications).

NM_198721.4(COL25A1):c.603C>A (p.Gly201=)

Gene: COL25A1 (collagen type XXV alpha 1 chain; minus strand). Cytogenetic location: 4q25.
Variant type: single nucleotide variant.
Coding change: c.603C>A on transcript NM_198721.4 (MANE Select); coding-DNA position 603, C replaced by A.
Protein change: p.Gly201=; no amino-acid change (glycine 201 retained).
Molecular consequence: synonymous variant.
Genome position (GRCh38, 1-based): chr4:108,940,608, G>T on the plus strand (C>A on the coding strand, the complement: COL25A1 is on the minus strand). VCF-style: chr4-108940608-G-T. GRCh37 (hg19) VCF-style: chr4-109861764-G-T.
Other names: c.591C>A, p.Gly197= (NM_001256074.3); c.603C>A, p.Gly201= (NM_032518.4).
Identifiers: ClinVar variation 788525 (VCV000788525.11), dbSNP rs140998459, ClinGen allele CA3039712.